The following is an entry in ClinVar:

NM_172245.4(CSF2RA):c.669dup (p.Val224fs)

Gene: CSF2RA (colony stimulating factor 2 receptor subunit alpha; plus strand). Cytogenetic location: Xp22.33.
Variant type: Duplication.
Coding change: c.669dup on transcript NM_172245.4 (MANE Select); coding-DNA position 669, one base duplicated (T; older notation c.669dupT).
Protein change: p.Val224fs; shifts the reading frame from valine 224.
Molecular consequence: frameshift variant. On other transcripts: non-coding transcript variant (1), intron variant (1).
Genome position (GRCh38, 1-based): chrX:1,294,350, T duplicated. VCF-style (leftmost placement, unchanged base first): chrX-1294349-A-AT. GRCh37 (hg19) VCF-style: chrX-1413242-A-AT.
Other names: c.669dup, p.Val224fs (NM_001161529.2, NM_001161530.2, NM_001161531.2 and 18 more transcripts); c.270dup, p.Val91fs (NM_001161532.2); c.669dup, p.Val224Cysfs (NM_001379157.1); c.650dup, p.Met217fs (NM_001379166.1); c.646+3841dup (NM_172249.4); short protein forms M217fs, V91fs, V224fs.
Identifiers: ClinVar variation 2785274 (VCV002785274.3), dbSNP rs2522387231, ClinGen allele CA2739268068.

ClinVar aggregate classification (germline): Pathogenic (1 of 4 stars; one submission).

Conditions:
Surfactant metabolism dysfunction, pulmonary, 4 (SMDP4). Also called: PAP DUE TO CSF2RA DEFICIENCY; PULMONARY ALVEOLAR PROTEINOSIS, CONGENITAL, 4; CSF2RA DEFICIENCY. Identifiers: Orphanet 264675, MedGen C2677877, MONDO:0010424, OMIM 300770.

Submission:

Labcorp Genetics (formerly Invitae), Labcorp
Classification: Pathogenic for Surfactant metabolism dysfunction, pulmonary, 4. Last evaluated: 2023-06-11. Review status: criteria provided, single submitter. Criteria: Invitae Variant Classification Sherloc (09022015). Collection method: clinical testing. Allele origin: germline.
Comment: For these reasons, this variant has been classified as Pathogenic. This variant has not been reported in the literature in individuals affected with CSF2RA-related conditions. This variant is not present in population databases (gnomAD no frequency). This sequence change creates a premature translational stop signal (p.Val224Cysfs*49) in the CSF2RA gene. It is expected to result in an absent or disrupted protein product. Loss-of-function variants in CSF2RA are known to be pathogenic (PMID: 20622029, 25425184).

Literature cited by the submitters: PubMed 20622029; PubMed 25425184.